The following is an entry in ClinVar:

NM_005247.4(FGF3):c.248T>C (p.Val83Ala)

Gene: FGF3 (fibroblast growth factor 3; minus strand). Cytogenetic location: 11q13.3.
Variant type: single nucleotide variant.
Coding change: c.248T>C on transcript NM_005247.4 (MANE Select); coding-DNA position 248, T replaced by C.
Protein change: p.Val83Ala; replaces valine 83 with alanine.
Molecular consequence: missense variant.
Genome position (GRCh38, 1-based): chr11:69,816,396, A>G on the plus strand (T>C on the coding strand, the complement: FGF3 is on the minus strand). VCF-style: chr11-69816396-A-G. GRCh37 (hg19) VCF-style: chr11-69631164-A-G.
Other names: short protein forms V83A.
Identifiers: ClinVar variation 3850131 (VCV003850131.2).

ClinVar aggregate classification (germline): Uncertain significance. Review status: criteria provided, multiple submitters, no conflicts (2 of 4 stars). 2 submissions from 2 submitters: Uncertain significance (2). Last evaluated 2025-03-05.

Conditions:
Inborn genetic diseases. Identifiers: MedGen C0950123, MeSH D030342.

gnomAD v4.1: 4 of 1,613,716 alleles (0.00025%); highest among the groups gnomAD compares: Non-Finnish European, 0.00017%; no homozygotes.

Submissions (2):

GeneDx
Classification: Uncertain significance. Last evaluated: 2025-03-05. Review status: criteria provided, single submitter. Criteria: GeneDx Variant Classification Process June 2021. Collection method: clinical testing. Allele origin: germline. Affected: yes.
Comment: Not observed at significant frequency in large population cohorts (gnomAD); In silico analysis supports that this missense variant has a deleterious effect on protein structure/function; Has not been previously published as pathogenic or benign to our knowledge

Ambry Genetics
Classification: Uncertain significance for Inborn genetic diseases. Last evaluated: 2024-12-16. Review status: criteria provided, single submitter. Criteria: Ambry Variant Classification Scheme 2023. Collection method: clinical testing. Allele origin: germline.